The following is an entry in ClinVar:

ClinVar aggregate classification (germline): Uncertain significance. Review status: criteria provided, multiple submitters, no conflicts (2 of 4 stars). 2 submissions from 2 submitters: Uncertain significance (2). Last evaluated 2023-09-22.

Conditions:
Hereditary cancer-predisposing syndrome. Also called: Tumor predisposition; Hereditary neoplastic syndrome; Hereditary Cancer Syndrome; Neoplastic Syndromes, Hereditary. Identifiers: Orphanet 140162, MedGen C0027672, MeSH D009386, MONDO:0015356.

Allele frequency attached by ClinVar (database versions not stated): gnomAD 0.00001.
gnomAD v4.1: 1 of 1,614,062 alleles (0.000062%); highest among the groups gnomAD compares: African/African-American, 0.0013%; no homozygotes.

Submissions (2):

Ambry Genetics
Classification: Uncertain significance for Hereditary cancer-predisposing syndrome. Last evaluated: 2023-09-22. Review status: criteria provided, single submitter. Criteria: Ambry Variant Classification Scheme 2023. Collection method: clinical testing. Allele origin: germline.
Comment: The p.P37L variant (also known as c.110C>T), located in coding exon 1 of the RAD50 gene, results from a C to T substitution at nucleotide position 110. The proline at codon 37 is replaced by leucine, an amino acid with similar properties. This amino acid position is highly conserved in available vertebrate species. In addition, the in silico prediction for this alteration is inconclusive. Since supporting evidence is limited at this time, the clinical significance of this alteration remains unclear.

Labcorp Genetics (formerly Invitae), Labcorp
Classification: Uncertain significance for Hereditary cancer-predisposing syndrome. Last evaluated: 2020-12-06. Review status: criteria provided, single submitter. Criteria: Invitae Variant Classification Sherloc (09022015). Collection method: clinical testing. Allele origin: germline.
Comment: Algorithms developed to predict the effect of missense changes on protein structure and function are either unavailable or do not agree on the potential impact of this missense change (SIFT: "Tolerated"; PolyPhen-2: "Probably Damaging"; Align-GVGD: "Class C0"). This variant has not been reported in the literature in individuals with RAD50-related conditions. This variant is not present in population databases (ExAC no frequency). This sequence change replaces proline with leucine at codon 37 of the RAD50 protein (p.Pro37Leu). The proline residue is moderately conserved and there is a moderate physicochemical difference between proline and leucine. In summary, the available evidence is currently insufficient to determine the role of this variant in disease. Therefore, it has been classified as a Variant of Uncertain Significance.

NM_005732.4(RAD50):c.110C>T (p.Pro37Leu)

Gene: RAD50 (RAD50 double strand break repair protein; plus strand). Cytogenetic location: 5q31.1.
Variant type: single nucleotide variant.
Coding change: c.110C>T on transcript NM_005732.4 (MANE Select); coding-DNA position 110, C replaced by T.
Protein change: p.Pro37Leu; replaces proline 37 with leucine.
Molecular consequence: missense variant.
Genome position (GRCh38, 1-based): chr5:132,557,434, C>T. VCF-style: chr5-132557434-C-T. GRCh37 (hg19) VCF-style: chr5-131893126-C-T.
Other names: short protein forms P37L.
Identifiers: ClinVar variation 1463244 (VCV001463244.10), dbSNP rs1750022697, ClinGen allele CA360951770.
Genomic context (GRCh38, chr5:132,557,434, plus strand): 5'-TAGAGGACAAAGATAAGCAAATTATCACTTTCTTCAGCCCCCTTACAATTTTGGTTGGAC[C>T]CAATGGGGCGGGAAAGACGGTAAGTCTTCAGTAGCCGCCTTCAGTTTACAGGTCGCTACA-3'
Protein context (NP_005723.2, residues 27-47): FFSPLTILVG[Pro37Leu]NGAGKTTIIE